The following is an entry in ClinVar:

NM_138393.4(REEP6):c.161C>T (p.Ala54Val)

Gene: REEP6 (receptor accessory protein 6; plus strand). Cytogenetic location: 19p13.3.
Variant type: single nucleotide variant.
Coding change: c.161C>T on transcript NM_138393.4 (MANE Select); coding-DNA position 161, C replaced by T.
Protein change: p.Ala54Val; replaces alanine 54 with valine.
Molecular consequence: missense variant.
Genome position (GRCh38, 1-based): chr19:1,495,339, C>T. VCF-style: chr19-1495339-C-T. GRCh37 (hg19) VCF-style: chr19-1495338-C-T.
Other names: c.161C>T (NM_001329556.1); c.161C>T, p.Ala54Val (NM_001329556.3); short protein forms A54V.
Identifiers: ClinVar variation 1991328 (VCV001991328.4), dbSNP rs757418880, ClinGen allele CA9047418.

ClinVar aggregate classification (germline): Uncertain significance. Review status: criteria provided, multiple submitters, no conflicts (2 of 4 stars). 3 submissions from 3 submitters: Uncertain significance (3). Last evaluated 2026-09-23.

Conditions:
REEP6-related disorder. Also called: REEP6-related condition.

Allele frequency attached by ClinVar (database versions not stated): ExAC 0.00002; gnomAD exomes 0.00002; TOPMed 0.00002.
gnomAD v4.1: 39 of 1,613,630 alleles (0.0024%); highest among the groups gnomAD compares: Admixed American, 0.018%; no homozygotes.

Submissions (3):

PreventionGenetics, part of Exact Sciences
Classification: Uncertain significance for REEP6-related condition. Last evaluated: 2026-09-23. Review status: criteria provided, single submitter. Criteria: ACMG Guidelines, 2015. Collection method: clinical testing. Allele origin: germline.
Comment: The REEP6 c.161C>T variant is predicted to result in the amino acid substitution p.Ala54Val. To our knowledge, this variant has not been reported in the literature. This variant is reported in 0.017% of alleles in individuals of Latino descent in gnomAD. At this time, the clinical significance of this variant is uncertain due to the absence of conclusive functional and genetic evidence.

Labcorp Genetics (formerly Invitae), Labcorp
Classification: Uncertain significance. Last evaluated: 2023-11-27. Review status: criteria provided, single submitter. Criteria: Invitae Variant Classification Sherloc (09022015). Collection method: clinical testing. Allele origin: germline.
Comment: This sequence change replaces alanine, which is neutral and non-polar, with valine, which is neutral and non-polar, at codon 54 of the REEP6 protein (p.Ala54Val). This variant is present in population databases (rs757418880, gnomAD 0.02%). This variant has not been reported in the literature in individuals affected with REEP6-related conditions. ClinVar contains an entry for this variant (Variation ID: 1991328). Experimental studies and prediction algorithms are not available or were not evaluated, and the functional significance of this variant is currently unknown. In summary, the available evidence is currently insufficient to determine the role of this variant in disease. Therefore, it has been classified as a Variant of Uncertain Significance.

Blueprint Genetics
Classification: Uncertain significance. Last evaluated: 2022-10-28. Review status: criteria provided, single submitter. Criteria: ACMG Guidelines, 2015. Collection method: clinical testing. Allele origin: germline.